The following is an entry in ClinVar:

ClinVar aggregate classification (germline): Likely benign (1 of 4 stars; one submission).

Submission:

CeGaT Center for Human Genetics Tuebingen
Classification: Likely benign. Last evaluated: 2024-02-01. Review status: criteria provided, single submitter. Criteria: CeGaT Center For Human Genetics Tuebingen Variant Classification Criteria Version 2. Collection method: clinical testing. Allele origin: germline. Affected: yes. Observed: 1 variant allele.
Comment: MUC22: BP4, BP7

NM_001395414.1(MUC22):c.1755A>C (p.Thr585=)

Gene: MUC22 (mucin 22; plus strand). Cytogenetic location: 6p21.33.
Variant type: single nucleotide variant.
Coding change: c.1755A>C on transcript NM_001395414.1 (MANE Select); coding-DNA position 1755, A replaced by C.
Protein change: p.Thr585=; no amino-acid change (threonine 585 retained).
Molecular consequence: synonymous variant.
Genome position (GRCh38, 1-based): chr6:31,027,186, A>C. VCF-style: chr6-31027186-A-C. GRCh37 (hg19) VCF-style: chr6-30994963-A-C.
Other names: c.1755A>C, p.Thr585= (NM_001198815.1); c.1764A>C, p.Thr588= (NM_001318484.1, NM_001322469.1).
Identifiers: ClinVar variation 3025244 (VCV003025244.22), dbSNP rs1184355072, ClinGen allele CA449783924.